The following is an entry in ClinVar:

ClinVar aggregate classification (germline): Uncertain significance (1 of 4 stars; one submission).

Conditions:
Neuronopathy, distal hereditary motor, type 7B. Also called: NEURONOPATHY, DISTAL HEREDITARY MOTOR, AUTOSOMAL DOMINANT 14; HMN VIIB; NEURONOPATHY, DISTAL HEREDITARY MOTOR, HARDING TYPE VIIB; NEUROPATHY, DISTAL HEREDITARY MOTOR, HARDING TYPE VIIB; NEUROPATHY, DISTAL HEREDITARY MOTOR, WITH VOCAL CORD PARALYSIS, HARDING TYPE VIIB; Distal Hereditary Motor Neuronopathy Type 7B (dHMN7B). Identifiers: Orphanet 139589, MedGen C1843315, MONDO:0011879, OMIM 607641.
Perry syndrome. Also called: PARKINSONISM WITH ALVEOLAR HYPOVENTILATION AND MENTAL DEPRESSION. Identifiers: Orphanet 178509, MedGen C1868594, MONDO:0008201, OMIM 168605.
Amyotrophic lateral sclerosis type 1 (ALS1). Also called: AMYOTROPHIC LATERAL SCLEROSIS 1, FAMILIAL. Identifiers: Orphanet 803, MedGen C1862939, MONDO:0007103, OMIM 105400.

gnomAD v4.1: 1 of 1,614,062 alleles (0.000062%); highest among the groups gnomAD compares: East Asian, 0.0022%; no homozygotes.

Submission:

Juno Genomics, Hangzhou Juno Genomics, Inc
Classification: Uncertain significance for Neuronopathy, distal hereditary motor, type 7B; Amyotrophic lateral sclerosis type 1; Perry syndrome. Review status: criteria provided, single submitter. Criteria: ACMG Guidelines, 2015. Collection method: clinical testing. Allele origin: germline.
Comment: Absent from controls (or at extremely low frequency if recessive) in Genome Aggregation Database.

NM_004082.5(DCTN1):c.1038T>G (p.Ile346Met)

Gene: DCTN1 (dynactin subunit 1; minus strand). Cytogenetic location: 2p13.1.
Variant type: single nucleotide variant.
Coding change: c.1038T>G on transcript NM_004082.5 (MANE Select); coding-DNA position 1038, T replaced by G.
Protein change: p.Ile346Met; replaces isoleucine 346 with methionine.
Molecular consequence: missense variant. On other transcripts: non-coding transcript variant (1).
Genome position (GRCh38, 1-based): chr2:74,370,631, A>C on the plus strand (T>G on the coding strand, the complement: DCTN1 is on the minus strand). VCF-style: chr2-74370631-A-C. GRCh37 (hg19) VCF-style: chr2-74597758-A-C.
Other names: c.978T>G, p.Ile326Met (NM_001135040.3); c.636T>G, p.Ile212Met (NM_001135041.3, NM_023019.4); c.927T>G, p.Ile309Met (NM_001190836.2); c.1017T>G, p.Ile339Met (NM_001190837.2); c.987T>G, p.Ile329Met (NM_001378991.1); c.969T>G, p.Ile323Met (NM_001378992.1); short protein forms I309M, I339M, I346M, I329M, I212M, I326M, I323M.
Identifiers: ClinVar variation 5006339 (VCV005006339.2).
Genomic context (GRCh38, chr2:74,370,631, plus strand): 5'-GCATGGTTCTCACCTGACCGTTTGGCCCCCAGCAGCTGTGGGCCCCTTACCCTTCTCTTC[A>C]ATCTCAGCCTTGAGGATCTCTAAGTCAGTAGTGAGCTCGTCCACCCGCTCCTTCAGTGCC-3'
Protein context (NP_004073.2, residues 336-356): TTDLEILKAE[Ile346Met]EEKGSDGAAS